The following is an entry in ClinVar:

ClinVar aggregate classification (germline): Pathogenic. Review status: reviewed by expert panel (3 of 4 stars). 3 submissions from 3 submitters: Pathogenic (1). 2 of the submissions do not count toward it. Last evaluated 2017-12-15.

Conditions:
Hereditary cancer-predisposing syndrome. Also called: Neoplastic Syndromes, Hereditary; Hereditary Cancer Syndrome; Tumor predisposition; Hereditary neoplastic syndrome. Identifiers: Orphanet 140162, MedGen C0027672, MeSH D009386, MONDO:0015356.
BRCA2-related cancer predisposition. Identifiers: MedGen CN377758, MONDO:0700269.
Breast-ovarian cancer, familial, susceptibility to, 2 (BROVCA2). Also called: BRCA2 Hereditary Breast and Ovarian Cancer. Identifiers: Orphanet 145, MedGen C2675520, MONDO:0012933, OMIM 612555. Disease mechanism: loss of function.

Submissions (3):

Evidence-based Network for the Interpretation of Germline Mutant Alleles (ENIGMA)
Classification: Pathogenic for Breast-ovarian cancer, familial, susceptibility to, 2. Last evaluated: 2017-12-15. Review status: reviewed by expert panel. Criteria: ENIGMA BRCA1/2 Classification Criteria (2017-06-29). Collection method: curation. Allele origin: germline. Study: ENIGMA.
Comment: Variant allele predicted to encode a truncated non-functional protein.

Hema, HEMA – Genetic and Molecular Diagnostic Laboratory
Classification: Pathogenic for BRCA2-related cancer predisposition. Last evaluated: 2026-05-06. Review status: criteria provided, single submitter. Criteria: HEMA Variant Classification Assertion Criteria. Collection method: clinical testing. Allele origin: germline. Not counted in ClinVar's aggregate classification.
Comment: The c.1337T>A p.(Leu446*) variant is a transversion from thymine to adenine, resulting in the substitution of leucine 446 with a premature stop codon. PVS1: Null variant (nonsense variant) in a gene for which loss of function is a known disease mechanism. The c.1337T>A p.(Leu446*) variant in the BRCA2 gene is a nonsense variant that introduces a premature stop codon in exon 10, which is predicted to result in nonsense-mediated decay (NMD) of the transcript. PM2_Supporting: Absent in the gnomAD v4.1.1 database. PM5_Strong (PTC): Variant that introduces a stop codon in exon 10 of BRCA2.

Color Diagnostics, LLC DBA Color Health
Classification: Pathogenic for Hereditary cancer-predisposing syndrome. Last evaluated: 2021-01-18. Review status: criteria provided, single submitter. Criteria: ACMG Guidelines, 2015. Collection method: clinical testing. Allele origin: germline. Not counted in ClinVar's aggregate classification.
Comment: This variant changes 1 nucleotide in exon 10 of the BRCA2 gene, creating a premature translation stop signal. This variant is expected to result in an absent or non-functional protein product. Splice site prediction tools suggest that this variant may not impact RNA splicing. To our knowledge, functional studies have not been performed for this variant. This variant has been reported in individuals referred for BRCA1/2 screening (PMID: 29907814). This variant has not been identified in the general population by the Genome Aggregation Database (gnomAD). Loss of BRCA2 function is a known mechanism of disease. Based on the available evidence, this variant is classified as Pathogenic.

NM_000059.4(BRCA2):c.1337T>A (p.Leu446Ter)

Gene: BRCA2 (BRCA2 DNA repair associated; plus strand). Cytogenetic location: 13q13.1.
Variant type: single nucleotide variant.
Coding change: c.1337T>A on transcript NM_000059.4 (MANE Select); coding-DNA position 1337, T replaced by A.
Protein change: p.Leu446Ter; replaces leucine 446 with a stop codon.
Molecular consequence: nonsense.
Genome position (GRCh38, 1-based): chr13:32,332,815, T>A. VCF-style: chr13-32332815-T-A. GRCh37 (hg19) VCF-style: chr13-32906952-T-A.
Other names: short protein forms L446*.
Identifiers: ClinVar variation 548329 (VCV000548329.7), dbSNP rs1555281845, ClinGen allele CA387762713.